The following is an entry in ClinVar:

NM_015346.4(ZFYVE26):c.1558C>T (p.Gln520Ter)

Gene: ZFYVE26 (zinc finger FYVE-type containing 26; minus strand). Cytogenetic location: 14q24.1.
Variant type: single nucleotide variant.
Coding change: c.1558C>T on transcript NM_015346.4 (MANE Select); coding-DNA position 1558, C replaced by T.
Protein change: p.Gln520Ter; replaces glutamine 520 with a stop codon.
Molecular consequence: nonsense.
Genome position (GRCh38, 1-based): chr14:67,802,160, G>A on the plus strand (C>T on the coding strand, the complement: ZFYVE26 is on the minus strand). VCF-style: chr14-67802160-G-A. GRCh37 (hg19) VCF-style: chr14-68268877-G-A.
Other names: short protein forms Q520*.
Identifiers: ClinVar variation 2841993 (VCV002841993.4), dbSNP rs2502866864, ClinGen allele CA390176375.

ClinVar aggregate classification (germline): Pathogenic. Review status: criteria provided, multiple submitters, no conflicts (2 of 4 stars). 2 submissions from 2 submitters: Pathogenic (2). Last evaluated 2025-05-05.

Conditions:
Hereditary spastic paraplegia 15 (SPG15). Also called: SPASTIC PARAPLEGIA 15, AUTOSOMAL RECESSIVE; KJELLIN SYNDROME; SPASTIC PARAPLEGIA AND RETINAL DEGENERATION. Identifiers: Orphanet 100996, MedGen C1849128, MONDO:0010044, OMIM 270700.
Spastic paraplegia. Identifiers: MedGen C0037772, HP:0001258.

Submissions (2):

Women's Health and Genetics/Laboratory Corporation of America, LabCorp
Classification: Pathogenic for Hereditary spastic paraplegia 15. Last evaluated: 2025-05-05. Review status: criteria provided, single submitter. Criteria: LabCorp Variant Classification Summary - May 2015. Collection method: clinical testing. Allele origin: germline.
Comment: Variant summary: ZFYVE26 c.1558C>T (p.Gln520X) results in a premature termination codon, predicted to cause a truncation of the encoded protein or absence of the protein due to nonsense mediated decay, which are commonly known mechanisms for disease. The variant was absent in 251492 control chromosomes. To our knowledge, no occurrence of c.1558C>T in individuals affected with Hereditary Spastic Paraplegia 15 and no experimental evidence demonstrating its impact on protein function have been reported. ClinVar contains an entry for this variant (Variation ID: 2841993). Based on the evidence outlined above, the variant was classified as pathogenic.

Labcorp Genetics (formerly Invitae), Labcorp
Classification: Pathogenic for Spastic paraplegia. Last evaluated: 2023-03-01. Review status: criteria provided, single submitter. Criteria: Invitae Variant Classification Sherloc (09022015). Collection method: clinical testing. Allele origin: germline.
Comment: For these reasons, this variant has been classified as Pathogenic. This variant has not been reported in the literature in individuals affected with ZFYVE26-related conditions. This variant is not present in population databases (gnomAD no frequency). This sequence change creates a premature translational stop signal (p.Gln520*) in the ZFYVE26 gene. It is expected to result in an absent or disrupted protein product. Loss-of-function variants in ZFYVE26 are known to be pathogenic (PMID: 18394578, 19805727).

Literature cited by the submitters: PubMed 18394578 (cited by Labcorp Genetics (formerly Invitae), Labcorp); PubMed 19805727 (cited by Labcorp Genetics (formerly Invitae), Labcorp).